The following is an entry in ClinVar:

NM_000069.3(CACNA1S):c.1813A>T (p.Ile605Phe)

Gene: CACNA1S (calcium voltage-gated channel subunit alpha1 S; minus strand). Cytogenetic location: 1q32.1.
Variant type: single nucleotide variant.
Coding change: c.1813A>T on transcript NM_000069.3 (MANE Select); coding-DNA position 1813, A replaced by T.
Protein change: p.Ile605Phe; replaces isoleucine 605 with phenylalanine.
Molecular consequence: missense variant.
Genome position (GRCh38, 1-based): chr1:201,076,934, T>A on the plus strand (A>T on the coding strand, the complement: CACNA1S is on the minus strand). VCF-style: chr1-201076934-T-A. GRCh37 (hg19) VCF-style: chr1-201046062-T-A.
Other names: short protein forms I605F.
Identifiers: ClinVar variation 951923 (VCV000951923.14), dbSNP rs550246898, ClinGen allele CA344119418.

ClinVar aggregate classification (germline): Uncertain significance. Review status: criteria provided, multiple submitters, no conflicts (2 of 4 stars). 5 submissions from 5 submitters: Uncertain significance (5). Last evaluated 2025-07-21.

Conditions:
Inborn genetic diseases. Identifiers: MedGen C0950123, MeSH D030342.
Hypokalemic periodic paralysis, type 1. Also called: HypoPP; Hypokalemic Periodic Paralysis Type 1 (AD). Identifiers: Orphanet 681, MedGen C3714580, MONDO:0042979, OMIM 170400.
Malignant hyperthermia, susceptibility to, 5 (MHS5). Also called: CACNA1S-Related Malignant Hyperthermia Susceptibility. Identifiers: Orphanet 423, MedGen C1866077, MONDO:0011163, OMIM 601887.

Submissions (5):

Color Diagnostics, LLC DBA Color Health
Classification: Uncertain significance for Malignant hyperthermia, susceptibility to, 5. Last evaluated: 2025-07-21. Review status: criteria provided, single submitter. Criteria: ACMG Guidelines, 2015. Collection method: clinical testing. Allele origin: germline.
Comment: This missense variant replaces isoleucine with phenylalanine at codon 605 of the CACNA1S protein. Computational prediction suggests that this variant may have deleterious impact on protein structure and function. To our knowledge, functional studies have not been reported for this variant. This variant has not been reported in individuals affected with CACNA1S-related disorders in the literature. This variant has not been identified in the general population by the Genome Aggregation Database (gnomAD). The available evidence is insufficient to determine the role of this variant in disease conclusively. Therefore, this variant is classified as a Variant of Uncertain Significance.

Ambry Genetics
Classification: Uncertain significance for Inborn genetic diseases. Last evaluated: 2025-06-03. Review status: criteria provided, single submitter. Criteria: Ambry Variant Classification Scheme 2023. Collection method: clinical testing. Allele origin: germline.

Revvity Omics, Revvity
Classification: Uncertain significance. Last evaluated: 2025-05-16. Review status: criteria provided, single submitter. Criteria: ACMG Guidelines, 2015. Collection method: clinical testing. Allele origin: germline.

All of Us Research Program, National Institutes of Health
Classification: Uncertain significance for Malignant hyperthermia, susceptibility to, 5. Last evaluated: 2023-03-28. Review status: criteria provided, single submitter. Criteria: ACMG Guidelines, 2015. Collection method: clinical testing. Allele origin: germline. Inheritance: Autosomal dominant inheritance. Observed: 1 variant allele, 1 heterozygote.
Comment: This study involves interpretation of variants in research participants for the purpose of population health screening. Participant phenotype was not available at the time of variant classification. Additional details can be found in publication PMID: 35346344, PMCID: PMC8962531

Labcorp Genetics (formerly Invitae), Labcorp
Classification: Uncertain significance for Hypokalemic periodic paralysis, type 1; Malignant hyperthermia, susceptibility to, 5. Last evaluated: 2019-04-20. Review status: criteria provided, single submitter. Criteria: Invitae Variant Classification Sherloc (09022015). Collection method: clinical testing. Allele origin: germline.
Comment: This sequence change replaces isoleucine with phenylalanine at codon 605 of the CACNA1S protein (p.Ile605Phe). The isoleucine residue is highly conserved and there is a small physicochemical difference between isoleucine and phenylalanine. In summary, the available evidence is currently insufficient to determine the role of this variant in disease. Therefore, it has been classified as a Variant of Uncertain Significance. Algorithms developed to predict the effect of missense changes on protein structure and function are either unavailable or do not agree on the potential impact of this missense change (SIFT: "Deleterious"; PolyPhen-2: "Probably Damaging"; Align-GVGD: "Class C0"). This variant has not been reported in the literature in individuals with CACNA1S-related conditions. This variant is not present in population databases (ExAC no frequency).